The following is an entry in ClinVar:

NM_001286611.2(REPS1):c.829G>A (p.Asp277Asn)

Gene: REPS1 (RALBP1 associated Eps domain containing 1; minus strand). Cytogenetic location: 6q24.1.
Variant type: single nucleotide variant.
Coding change: c.829G>A on transcript NM_001286611.2 (MANE Select); coding-DNA position 829, G replaced by A.
Protein change: p.Asp277Asn; replaces aspartic acid 277 with asparagine.
Molecular consequence: missense variant.
Genome position (GRCh38, 1-based): chr6:138,943,940, C>T on the plus strand (G>A on the coding strand, the complement: REPS1 is on the minus strand). VCF-style: chr6-138943940-C-T. GRCh37 (hg19) VCF-style: chr6-139265077-C-T.
Other names: c.829G>A (NM_031922.3); c.829G>A, p.Asp277Asn (NM_001128617.3, NM_001286612.2, NM_031922.5); short protein forms D277N.
Identifiers: ClinVar variation 1425925 (VCV001425925.7), dbSNP rs368941743, ClinGen allele CA4024351.

ClinVar aggregate classification (germline): Uncertain significance. Review status: criteria provided, multiple submitters, no conflicts (2 of 4 stars). 2 submissions from 2 submitters: Uncertain significance (2). Last evaluated 2024-03-05.

Allele frequency attached by ClinVar (database versions not stated): gnomAD exomes 0.00001; TOPMed 0.00001; ExAC 0.00002; gnomAD 0.00003; ESP Exome Variant Server 0.00008.
gnomAD v4.1: 14 of 1,613,524 alleles (0.00087%); highest among the groups gnomAD compares: Non-Finnish European, 0.0011%; no homozygotes.

Submissions (2):

Ambry Genetics
Classification: Uncertain significance. Last evaluated: 2024-03-05. Review status: criteria provided, single submitter. Criteria: Ambry Variant Classification Scheme 2023. Collection method: clinical testing. Allele origin: germline.

Labcorp Genetics (formerly Invitae), Labcorp
Classification: Uncertain significance. Last evaluated: 2022-11-05. Review status: criteria provided, single submitter. Criteria: Invitae Variant Classification Sherloc (09022015). Collection method: clinical testing. Allele origin: germline.
Comment: ClinVar contains an entry for this variant (Variation ID: 1425925). In summary, the available evidence is currently insufficient to determine the role of this variant in disease. Therefore, it has been classified as a Variant of Uncertain Significance. Advanced modeling of protein sequence and biophysical properties (such as structural, functional, and spatial information, amino acid conservation, physicochemical variation, residue mobility, and thermodynamic stability) performed at Invitae indicates that this missense variant is expected to disrupt REPS1 protein function. This variant has not been reported in the literature in individuals affected with REPS1-related conditions. This variant is present in population databases (rs368941743, gnomAD 0.003%). This sequence change replaces aspartic acid, which is acidic and polar, with asparagine, which is neutral and polar, at codon 277 of the REPS1 protein (p.Asp277Asn).